The following is an entry in ClinVar:

ClinVar aggregate classification (germline): Uncertain significance (1 of 4 stars; one submission).

Conditions:
NEB-related disorder. Also called: NEB-Related Disorders; NEB-related condition.

gnomAD v4.1: 1 of 1,603,320 alleles (0.000062%); highest among the groups gnomAD compares: Non-Finnish European, 0.000085%; no homozygotes.

Submission:

PreventionGenetics, part of Exact Sciences
Classification: Uncertain significance for NEB-related condition. Last evaluated: 2026-06-04. Review status: criteria provided, single submitter. Criteria: ACMG Guidelines, 2015. Collection method: clinical testing. Allele origin: germline.
Comment: The NEB c.7189G>A variant is predicted to result in the amino acid substitution p.Val2397Ile. To our knowledge, this variant has not been reported in the literature or in a large population database (gnomAD), indicating this variant is rare. At this time, the clinical significance of this variant is uncertain due to the absence of conclusive functional and genetic evidence.

NM_001164508.2(NEB):c.7189G>A (p.Val2397Ile)

Gene: NEB (nebulin; minus strand). Cytogenetic location: 2q23.3.
Variant type: single nucleotide variant.
Coding change: c.7189G>A on transcript NM_001164508.2 (MANE Select); coding-DNA position 7189, G replaced by A.
Protein change: p.Val2397Ile; replaces valine 2397 with isoleucine.
Molecular consequence: missense variant.
Genome position (GRCh38, 1-based): chr2:151,650,612, C>T on the plus strand (G>A on the coding strand, the complement: NEB is on the minus strand). VCF-style: chr2-151650612-C-T. GRCh37 (hg19) VCF-style: chr2-152507126-C-T.
Other names: c.7189G>A, p.Val2397Ile (NM_001164507.2, NM_001271208.2, NM_004543.5); short protein forms V2397I.
Identifiers: ClinVar variation 4985192 (VCV004985192.1).
Genomic context (GRCh38, chr2:151,650,612, plus strand): 5'-ATTGGATTTAATAGAAACTGACCTCACTTTGCAGTTCATAAACTTTCTTAGCTTGCACAA[C>T]ATCGTTCTGATCAGGCAGACATGTCCACTGATGCAGGTAGTTCTTGTAGTCCACGTCACT-3'
Protein context (NP_001157980.2, residues 2387-2407): QWTCLPDQND[Val2397Ile]VQAKKVYELQ